The following is an entry in ClinVar:

ClinVar aggregate classification (germline): Uncertain significance (1 of 4 stars; one submission).

Conditions:
Renpenning syndrome. Also called: MENTAL RETARDATION, X-LINKED 55; MENTAL RETARDATION, X-LINKED, SYNDROMIC 8; Mental retardation, X-linked Renpenning type; X-linked mental retardation with spastic diplegia; X-linked mental retardation syndromic 3; Sutherland-Haan syndrome. Identifiers: Orphanet 3242, MedGen C0796135, MONDO:0010653, OMIM 309500.

Submission:

Juno Genomics, Hangzhou Juno Genomics, Inc
Classification: Uncertain significance for Renpenning syndrome. Review status: criteria provided, single submitter. Criteria: ACMG Guidelines, 2015. Collection method: clinical testing. Allele origin: germline.
Comment: Absent from controls (or at extremely low frequency if recessive) in Genome Aggregation Database.;Multiple lines of computational evidence support a deleterious effect on the gene or gene product.

NM_001032382.2(PQBP1):c.212A>G (p.Asp71Gly)

Gene: PQBP1 (polyglutamine binding protein 1; plus strand). Cytogenetic location: Xp11.23.
Variant type: single nucleotide variant.
Coding change: c.212A>G on transcript NM_001032382.2 (MANE Select); coding-DNA position 212, A replaced by G.
Protein change: p.Asp71Gly; replaces aspartic acid 71 with glycine.
Molecular consequence: missense variant. On other transcripts: intron variant (1).
Genome position (GRCh38, 1-based): chrX:48,901,962, A>G. VCF-style: chrX-48901962-A-G. GRCh37 (hg19) VCF-style: chrX-48759239-A-G.
Other names: c.212A>G, p.Asp71Gly (NM_001032381.2, NM_001032383.2, NM_001032384.1 and 4 more transcripts); c.188A>G, p.Asp63Gly (NM_001167990.2); c.201+11A>G (NM_001167992.1); short protein forms D63G, D71G.
Identifiers: ClinVar variation 5019566 (VCV005019566.2).